The following is an entry in ClinVar:

ClinVar aggregate classification (germline): Pathogenic (1 of 4 stars; one submission).

Conditions:
Jeune thoracic dystrophy. Also called: Short-rib thoracic dysplasia; Jeune syndrome; Infantile thoracic dystrophy; Thoracic pelvic phalangeal dystrophy; Jeune's syndrome; Chondroectodermal dysplasia-like syndrome. Identifiers: Orphanet 474, MedGen C0265275, MONDO:0018770.

Submission:

Labcorp Genetics (formerly Invitae), Labcorp
Classification: Pathogenic for Jeune thoracic dystrophy. Last evaluated: 2025-11-12. Review status: criteria provided, single submitter. Criteria: Invitae Variant Classification Sherloc (09022015). Collection method: clinical testing. Allele origin: germline.
Comment: This sequence change creates a premature translational stop signal (p.Asn776*) in the DYNC2H1 gene. It is expected to result in an absent or disrupted protein product. Loss-of-function variants in DYNC2H1 are known to be pathogenic (PMID: 23339108, 32753734, 33755199). This variant is not present in population databases (gnomAD no frequency). This variant has not been reported in the literature in individuals affected with DYNC2H1-related conditions. Algorithms developed to predict the effect of sequence changes on RNA splicing suggest that this variant may disrupt the consensus splice site. For these reasons, this variant has been classified as Pathogenic.

Literature cited by the submitters: PubMed 23339108; PubMed 32753734; PubMed 33755199.

NM_001377.3(DYNC2H1):c.2326_2329del (p.Ile775_Asn776insTer)

Gene: DYNC2H1 (dynein cytoplasmic 2 heavy chain 1; plus strand). Cytogenetic location: 11q22.3.
Variant type: Microsatellite.
Coding change: c.2326_2329del on transcript NM_001377.3 (MANE Select); coding-DNA positions 2326 to 2329, 4 bases deleted (AATA; older notation c.2326_2329delAATA).
Protein change: p.Ile775_Asn776insTer.
Molecular consequence: nonsense.
Genome position (GRCh38, 1-based): chr11:103,135,615-103,135,618, AATA deleted; deleting any 4 consecutive bases within chr11:103,135,610-103,135,618 gives the same sequence; the c. name uses the placement nearest the transcript's 3' end. VCF-style (leftmost placement, unchanged base first): chr11-103135609-GAAAT-G. GRCh37 (hg19) VCF-style: chr11-103006338-GAAAT-G.
Other names: c.2326_2329del, p.Ile775_Asn776insTer (NM_001080463.2).
Identifiers: ClinVar variation 4707344 (VCV004707344.2).